The following is an entry in ClinVar:

NM_006282.5(STK4):c.845_846delinsTT (p.Arg282Ile)

Gene: STK4 (serine/threonine kinase 4; plus strand). Cytogenetic location: 20q13.12.
Variant type: Indel.
Coding change: c.845_846delinsTT on transcript NM_006282.5 (MANE Select); coding-DNA positions 845 to 846, GG replaced by TT.
Protein change: p.Arg282Ile; replaces arginine 282 with isoleucine.
Molecular consequence: missense variant.
Genome position (GRCh38, 1-based): chr20:45,000,405-45,000,406, GG replaced by TT. VCF-style: chr20-45000405-GG-TT. GRCh37 (hg19) VCF-style: chr20-43629046-GG-TT.
Other names: c.845_846delinsTT, p.Arg282Ile (NM_001352385.2); short protein forms R282I.
Identifiers: ClinVar variation 959037 (VCV000959037.8), dbSNP rs2067814857, ClinGen allele CA1139666707.

ClinVar aggregate classification (germline): Uncertain significance (1 of 4 stars; one submission).

Conditions:
Combined immunodeficiency due to STK4 deficiency (IMD110). Also called: T-cell immunodeficiency, recurrent infections, and autoimmunity with or without cardiac malformations; STK4 DEFICIENCY; MST1 DEFICIENCY. Identifiers: Orphanet 314689, MedGen C3553943, MONDO:0013934, OMIM 614868.

Submission:

Labcorp Genetics (formerly Invitae), Labcorp
Classification: Uncertain significance for Combined immunodeficiency due to STK4 deficiency. Last evaluated: 2019-08-22. Review status: criteria provided, single submitter. Criteria: Invitae Variant Classification Sherloc (09022015). Collection method: clinical testing. Allele origin: germline.
Comment: This sequence change replaces arginine with isoleucine at codon 282 of the STK4 protein (p.Arg282Ile). The arginine residue is weakly conserved and there is a moderate physicochemical difference between arginine and isoleucine. This variant is not present in population databases (ExAC no frequency). This variant has not been reported in the literature in individuals with STK4-related conditions. Algorithms developed to predict the effect of missense changes on protein structure and function are either unavailable or do not agree on the potential impact of this missense change (SIFT: "Deleterious"; PolyPhen-2: "Benign"; Align-GVGD: "Class C35"). In summary, the available evidence is currently insufficient to determine the role of this variant in disease. Therefore, it has been classified as a Variant of Uncertain Significance.